The following is an entry in ClinVar:

ClinVar aggregate classification (germline): Uncertain significance. Review status: criteria provided, multiple submitters, no conflicts (2 of 4 stars). 4 submissions from 4 submitters: Uncertain significance (4). Last evaluated 2024-09-11.

Conditions:
Osteogenesis imperfecta (OI). Identifiers: Orphanet 666, MedGen C0029434, MeSH D010013, MONDO:0019019.

Allele frequency attached by ClinVar (database versions not stated): ExAC 0.00013; 1000 Genomes Project 30x 0.00016; gnomAD exomes 0.00019; 1000 Genomes Project 0.00020; gnomAD 0.00025 and 0.00026; ESP Exome Variant Server 0.00039.
gnomAD v4.1: 556 of 1,609,118 alleles (0.035%); highest among the groups gnomAD compares: Non-Finnish European, 0.045%; no homozygotes.

Submissions (4):

Ambry Genetics
Classification: Uncertain significance. Last evaluated: 2024-09-11. Review status: criteria provided, single submitter. Criteria: Ambry Variant Classification Scheme 2023. Collection method: clinical testing. Allele origin: germline.

Mayo Clinic Laboratories, Mayo Clinic
Classification: Uncertain significance. Last evaluated: 2024-07-01. Review status: criteria provided, single submitter. Criteria: ACMG Guidelines, 2015. Collection method: clinical testing. Allele origin: germline. Observed: 1 variant allele.
Comment: BP4, PM2

Labcorp Genetics (formerly Invitae), Labcorp
Classification: Uncertain significance. Last evaluated: 2022-07-19. Review status: criteria provided, single submitter. Criteria: Invitae Variant Classification Sherloc (09022015). Collection method: clinical testing. Allele origin: germline.
Comment: This sequence change replaces arginine, which is basic and polar, with leucine, which is neutral and non-polar, at codon 280 of the SP7 protein (p.Arg280Leu). This variant is present in population databases (rs200582631, gnomAD 0.04%). This variant has not been reported in the literature in individuals affected with SP7-related conditions. ClinVar contains an entry for this variant (Variation ID: 1495322). Algorithms developed to predict the effect of missense changes on protein structure and function are either unavailable or do not agree on the potential impact of this missense change (SIFT: "Deleterious"; PolyPhen-2: "Benign"; Align-GVGD: "Class C35"). In summary, the available evidence is currently insufficient to determine the role of this variant in disease. Therefore, it has been classified as a Variant of Uncertain Significance.

Genome Diagnostics Laboratory, The Hospital for Sick Children
Classification: Uncertain significance for Osteogenesis imperfecta. Last evaluated: 2020-04-01. Review status: criteria provided, single submitter. Criteria: ACMG Guidelines, 2015. Collection method: clinical testing. Allele origin: germline.

Literature cited by the submitters: PubMed 38318288 (cited by Mayo Clinic Laboratories, Mayo Clinic).

NM_001173467.3(SP7):c.839G>T (p.Arg280Leu)

Gene: SP7 (Sp7 transcription factor; minus strand). Cytogenetic location: 12q13.13.
Variant type: single nucleotide variant.
Coding change: c.839G>T on transcript NM_001173467.3 (MANE Select); coding-DNA position 839, G replaced by T.
Protein change: p.Arg280Leu; replaces arginine 280 with leucine.
Molecular consequence: missense variant.
Genome position (GRCh38, 1-based): chr12:53,328,603, C>A on the plus strand (G>T on the coding strand, the complement: SP7 is on the minus strand). VCF-style: chr12-53328603-C-A. GRCh37 (hg19) VCF-style: chr12-53722387-C-A.
Other names: p.Arg280Leu; c.785G>T, p.Arg262Leu (NM_001300837.2); c.839G>T, p.Arg280Leu (NM_152860.2); c.839G>T (NM_001173467.1); short protein forms R280L, R262L.
Identifiers: ClinVar variation 1495322 (VCV001495322.9), dbSNP rs200582631, ClinGen allele CA6599515.